The following is an entry in ClinVar:

ClinVar aggregate classification (germline): Uncertain significance. Review status: criteria provided, multiple submitters, no conflicts (2 of 4 stars). 3 submissions from 3 submitters: Uncertain significance (3). Last evaluated 2025-04-03.

Conditions:
Inborn genetic diseases. Identifiers: MedGen C0950123, MeSH D030342.

Allele frequency attached by ClinVar (database versions not stated): gnomAD exomes 0.00001 and 0.00002; ExAC 0.00002; gnomAD 0.00008; TOPMed 0.00009.
gnomAD v4.1: 41 of 1,614,090 alleles (0.0025%); highest among the groups gnomAD compares: Admixed American, 0.01%; no homozygotes.

Submissions (3):

Ambry Genetics
Classification: Uncertain significance for Inborn genetic diseases. Last evaluated: 2025-04-03. Review status: criteria provided, single submitter. Criteria: Ambry Variant Classification Scheme 2023. Collection method: clinical testing. Allele origin: germline.

Labcorp Genetics (formerly Invitae), Labcorp
Classification: Uncertain significance. Last evaluated: 2025-01-12. Review status: criteria provided, single submitter. Criteria: Invitae Variant Classification Sherloc (09022015). Collection method: clinical testing. Allele origin: germline.
Comment: This sequence change replaces lysine, which is basic and polar, with isoleucine, which is neutral and non-polar, at codon 188 of the C1QC protein (p.Lys188Ile). This variant is present in population databases (rs780237929, gnomAD 0.003%). This variant has not been reported in the literature in individuals affected with C1QC-related conditions. ClinVar contains an entry for this variant (Variation ID: 1386121). An algorithm developed to predict the effect of missense changes on protein structure and function (PolyPhen-2) suggests that this variant¬†is likely to be tolerated. In summary, the available evidence is currently insufficient to determine the role of this variant in disease. Therefore, it has been classified as a Variant of Uncertain Significance.

Blueprint Genetics
Classification: Uncertain significance. Last evaluated: 2024-06-05. Review status: criteria provided, single submitter. Criteria: ACMG Guidelines, 2015. Collection method: clinical testing. Allele origin: germline.

NM_172369.5(C1QC):c.563A>T (p.Lys188Ile)

Gene: C1QC (complement C1q C chain; plus strand). Cytogenetic location: 1p36.12.
Variant type: single nucleotide variant.
Coding change: c.563A>T on transcript NM_172369.5 (MANE Select); coding-DNA position 563, A replaced by T.
Protein change: p.Lys188Ile; replaces lysine 188 with isoleucine.
Molecular consequence: missense variant.
Genome position (GRCh38, 1-based): chr1:22,647,608, A>T. VCF-style: chr1-22647608-A-T. GRCh37 (hg19) VCF-style: chr1-22974101-A-T.
Other names: c.563A>T, p.Lys188Ile (NM_001114101.3, NM_001347619.2); c.296A>T, p.Lys99Ile (NM_001347620.2); c.563A>T (NM_172369.3); short protein forms K188I, K99I.
Identifiers: ClinVar variation 1386121 (VCV001386121.7), dbSNP rs780237929, ClinGen allele CA678015.
Genomic context (GRCh38, chr1:22,647,608, plus strand): 5'-TTGTCTACCACGCGTCGCATACAGCCAACCTGTGCGTGCTGCTGTACCGCAGCGGCGTCA[A>T]AGTGGTCACCTTCTGTGGCCACACGTCCAAAACCAATCAGGTCAACTCGGGCGGTGTGCT-3'
Protein context (NP_758957.2, residues 178-198): LCVLLYRSGV[Lys188Ile]VVTFCGHTSK